The following is an entry in ClinVar:

ClinVar aggregate classification (germline): Pathogenic/Likely pathogenic. Review status: criteria provided, multiple submitters, no conflicts (2 of 4 stars). 23 submissions from 21 submitters: Pathogenic (15); Likely pathogenic (8). Last evaluated 2026-08-26.

Conditions:
Pheochromocytoma. Also called: MAX-Related Hereditary Paraganglioma-Pheochromocytoma Syndrome. Identifiers: Orphanet 29072, MedGen C0031511, MONDO:0008233, OMIM 171300, HP:0002666.
Multiple endocrine neoplasia type 2B. Also called: MEN IIB; NEUROMATA, MUCOSAL, WITH ENDOCRINE TUMORS; MEN 2B; Multiple endocrine neoplasia, type 3; Multiple Endocrine Neoplasia Type 2B (MEN2B); MUCOSAL NEUROMA SYNDROME. Identifiers: Orphanet 247709, Orphanet 653, MedGen C0025269, MeSH D018814, MONDO:0008082, OMIM 162300.
Familial medullary thyroid carcinoma (MTC). Also called: Thyroid cancer, familial medullary; MTC, familial; Familial Medullary Thyroid Carcinoma (FMTC). Identifiers: Orphanet 653, Orphanet 99361, MedGen C1833921, MONDO:0007958, OMIM 155240.
Multiple endocrine neoplasia type 2A. Also called: Multiple Endocrine Neoplasia Type 2A (MEN2A); MULTIPLE ENDOCRINE NEOPLASIA, TYPE IIA; PTC SYNDROME; SIPPLE SYNDROME; MEN 2A; MEN-2A syndrome. Identifiers: Orphanet 247698, Orphanet 653, MedGen C0025268, MeSH D018813, MONDO:0008234, OMIM 171400.
Hirschsprung disease, susceptibility to, 1 (HSCR1). Also called: RET-Related Hirschsprung Disease. Identifiers: Orphanet 388, MedGen C3888239, MONDO:0007723, OMIM 142623.
RET-related disorder. Also called: RET-related disorders; RET-related condition; RET-related disease.
Multiple endocrine neoplasia, type 2 (MEN2). Identifiers: Orphanet 653, MedGen C4048306, MONDO:0019003. Disease mechanism: gain of function.
Hereditary cancer-predisposing syndrome. Also called: Neoplastic Syndromes, Hereditary; Tumor predisposition; Hereditary Cancer Syndrome; Hereditary neoplastic syndrome. Identifiers: Orphanet 140162, MedGen C0027672, MeSH D009386, MONDO:0015356.

Allele frequency attached by ClinVar (database versions not stated): gnomAD exomes 0.00002; ESP Exome Variant Server 0.00046; TOPMed 0.00004; gnomAD 0.00003.
gnomAD v4.1: 23 of 1,612,836 alleles (0.0014%); highest among the groups gnomAD compares: Non-Finnish European, 0.0019%; no homozygotes.

Submissions 1 to 4 of 23:

PreventionGenetics, part of Exact Sciences
Classification: Pathogenic for RET-related condition. Last evaluated: 2026-08-26. Review status: criteria provided, single submitter. Criteria: ACMG Guidelines, 2015. Collection method: clinical testing. Allele origin: germline.
Comment: The RET c.1998G>T variant is predicted to result in the amino acid substitution p.Lys666Asn. This variant has been reported in the heterozygous state in multiple individuals with medullary thyroid cancer (MTC) or multiple endocrine neoplasia type 2A (MEN2A) (Muzza et al. 2010. PubMed ID: 20103606; Xu et al. 2016. PubMed ID: 27673361; Yehia et al. 2018. PubMed ID: 29684080; La Greca et al. 2024. PubMed ID: 39231479; Yip et al. 2025. PubMed ID: 39963300). This variant has also been reported in the homozygous state in an individual with MTC and bilateral pheochromocytoma; However, not all carriers of this variant were affected at the time of testing, suggesting low penetrance or variable age at onset (Xu et al. 2016. PubMed ID: 27673361). In vitro experimental studies showed this variant led to elevated kinase activity and ERK pathway activation with increased transformation potential in transfected NIH3T3 cells (Muzza et al. 2010. PubMed ID: 20103606). This variant is reported in 0.0054% of alleles in individuals of European (non-Finnish) descent in gnomAD and is interpreted as likely pathogenic and pathogenic by multiple institutions in ClinVar (Variation ID: 24932). An alternate nucleotide substitution leading to the same amino acid change (c.1998G>C, p.Lys666Asn) has been reported in individuals with pheochromocytoma (Currás-Freixes et al. 2015. PubMed ID: 26269449; Halperin et al. 2026. PubMed ID: 41857338), and an alternate amino acid change at the same position (p.Lys666Glu) has also been reported as disease-causing in multiple individuals with RET-related disorders (Ahmed et al. 2005. PubMed ID: 15858153; Borrello et al. 2011. PubMed ID: 21690267; Giacché et al. 2019. PubMed ID: 30927507). Taken together, the c.1998G>T, p.Lys666Asn variant is interpreted as pathogenic.

Labcorp Genetics (formerly Invitae), Labcorp
Classification: Pathogenic for Multiple endocrine neoplasia, type 2. Last evaluated: 2026-01-16. Review status: criteria provided, single submitter. Criteria: Invitae Variant Classification Sherloc (09022015). Collection method: clinical testing. Allele origin: germline.
Comment: This sequence change replaces lysine, which is basic and polar, with asparagine, which is neutral and polar, at codon 666 of the RET protein (p.Lys666Asn). This variant is present in population databases (rs146646971, gnomAD 0.005%). This missense change has been observed in individuals with medullary thyroid cancer (PMID: 20103606, 26269449, 27673361; internal data). It has also been observed to segregate with disease in related individuals. ClinVar contains an entry for this variant (Variation ID: 24932). An algorithm developed to predict the effect of missense changes on protein structure and function (PolyPhen-2) suggests that this variant is likely to be disruptive. Experimental studies have shown that this missense change affects RET function (PMID: 20103606). This variant disrupts the p.Lys666 amino acid residue in RET. Other variant(s) that disrupt this residue have been determined to be pathogenic (PMID: 15858153, 21690267, 30927507). This suggests that this residue is clinically significant, and that variants that disrupt this residue are likely to be disease-causing. For these reasons, this variant has been classified as Pathogenic.

Revvity Omics, Revvity
Classification: Pathogenic. Last evaluated: 2025-07-14. Review status: criteria provided, single submitter. Criteria: ACMG Guidelines, 2015. Collection method: clinical testing. Allele origin: germline.

Color Diagnostics, LLC DBA Color Health
Classification: Likely pathogenic for Multiple endocrine neoplasia, type 2. Last evaluated: 2025-05-27. Review status: criteria provided, single submitter. Criteria: ACMG Guidelines, 2015. Collection method: clinical testing. Allele origin: germline.
Comment: This missense variant replaces lysine with asparagine at codon 666 of the RET protein. Computational predictions are inconclusive regarding the impact of this variant on protein structure and function and pre-mRNA splicing. A functional study has reported that this variant protein resulted in elevated kinase and cell transformation activities that were intermediate between the wild-type protein and the pathogenic control p.Cys634Arg (PMID: 20103606). The protein variant p.Lys666Asn, caused by c.1998G>C or c.1998G>T, has been reported in at least 13 unrelated individuals affected with medullary thyroid cancer (PMID: 20103606, 22865907, 27673361, 28946813, 29408964) and two individuals each affected with pheochromocytoma or C-cell hyperplasia (PMID: 26269449, 27673361, 29408964). This variant has also been reported in a homozygous carrier affected with medullary thyroid cancer and bilateral pheochromocytoma (PMID: 29408964) and an individual affected with clinical features of Cowden syndrome, including thyroid cancer, and also pheochromocytoma (PMID: 29684080). This variant has also been described as incompletely penetrant, having been observed in over a dozen unaffected heterozygous carriers (PMID: 27673361, 29408964). Two different protein variants at codon 666, p.Lys666Glu and p.Lys666delinsAsnSer, have been reported in individuals affected with medullary thyroid cancer and are suspected to have more severe disease characteristics due a co-occurring polymorphism p.Gly691Ser (PMID: 15844786, 21690267), raising the possibility that substitutions at this codon may have variable penetrance or expressivity due to effects of genetic modifier. This variant has been identified in 7/282120 chromosomes in the general population by the Genome Aggregation Database (gnomAD). Based on the available evidence, this variant is classified as Likely Pathogenic.

NM_020975.6(RET):c.1998G>T (p.Lys666Asn)

Gene: RET (ret proto-oncogene; plus strand). Cytogenetic location: 10q11.21.
Variant type: single nucleotide variant.
Coding change: c.1998G>T on transcript NM_020975.6 (MANE Select); coding-DNA position 1998, G replaced by T.
Protein change: p.Lys666Asn; replaces lysine 666 with asparagine.
Molecular consequence: missense variant.
Genome position (GRCh38, 1-based): chr10:43,114,598, G>T. VCF-style: chr10-43114598-G-T. GRCh37 (hg19) VCF-style: chr10-43610046-G-T.
Other names: c.1998G>T (NM_020630.5); c.1869G>T, p.Lys623Asn (NM_001406764.1, NM_001406761.1, NM_001406762.1); c.1710G>T, p.Lys570Asn (NM_001406766.1, NM_001406767.1, NM_001406770.1); c.1602G>T, p.Lys534Asn (NM_001406769.1, NM_001406772.1); c.1560G>T, p.Lys520Asn (NM_001406771.1, NM_001406773.1); c.1473G>T, p.Lys491Asn (NM_001406774.1); c.1272G>T, p.Lys424Asn (NM_001406775.1, NM_001406776.1, NM_001406777.1 and 1 more transcripts); c.1998G>T, p.Lys666Asn (NM_000323.2, NM_001406743.1, NM_001406744.1 and 4 more transcripts); and 8 more; short protein forms K412N, K324N, K336N, K570N, K183N, K231N, K271N, K367N.
Identifiers: ClinVar variation 24932 (VCV000024932.62), dbSNP rs146646971, ClinGen allele CA008525.